The following is an entry in ClinVar:

NM_000089.4(COL1A2):c.3995A>T (p.Lys1332Ile)

Gene: COL1A2 (collagen type I alpha 2 chain; plus strand). Cytogenetic location: 7q21.3.
Variant type: single nucleotide variant.
Coding change: c.3995A>T on transcript NM_000089.4 (MANE Select); coding-DNA position 3995, A replaced by T.
Protein change: p.Lys1332Ile; replaces lysine 1332 with isoleucine.
Molecular consequence: missense variant.
Genome position (GRCh38, 1-based): chr7:94,430,287, A>T. VCF-style: chr7-94430287-A-T. GRCh37 (hg19) VCF-style: chr7-94059599-A-T.
Other names: short protein forms K1332I.
Identifiers: ClinVar variation 1312892 (VCV001312892.5), dbSNP rs1484368913, ClinGen allele CA368227220.

ClinVar aggregate classification (germline): Uncertain significance. Review status: criteria provided, multiple submitters, no conflicts (2 of 4 stars). 2 submissions from 2 submitters: Uncertain significance (2). Last evaluated 2023-05-07.

Conditions:
Osteogenesis imperfecta type I (OI1). Also called: OI, TYPE I; OSTEOGENESIS IMPERFECTA TARDA; OSTEOGENESIS IMPERFECTA WITH BLUE SCLERAE; Osteogenesis imperfecta type 1; Lobstein's Disease; Lobstein disease. Identifiers: Orphanet 216796, Orphanet 666, MedGen C0023931, MONDO:0008146, OMIM 166200. Disease mechanism: loss of function.
Ehlers-Danlos syndrome, classic type, 1 (EDSCL1). Also called: EHLERS-DANLOS SYNDROME, GRAVIS TYPE; EHLERS-DANLOS SYNDROME, SEVERE CLASSIC TYPE; Ehlers-Danlos syndrome, type 1; EDS I; Ehlers-Danlos Syndrome, Classic Type, COL5A1-Related. Identifiers: MedGen C0268335, MONDO:0019567, OMIM 130000.

Allele frequency attached by ClinVar (database versions not stated): TOPMed 0.00002; gnomAD exomes 0.00001; gnomAD 0.00001.
gnomAD v4.1: 3 of 1,613,968 alleles (0.00019%); highest among the groups gnomAD compares: African/African-American, 0.004%; no homozygotes.

Submissions (2):

Labcorp Genetics (formerly Invitae), Labcorp
Classification: Uncertain significance for Osteogenesis imperfecta type I; Ehlers-Danlos syndrome, classic type, 1. Last evaluated: 2023-05-07. Review status: criteria provided, single submitter. Criteria: Invitae Variant Classification Sherloc (09022015). Collection method: clinical testing. Allele origin: germline.
Comment: This sequence change replaces lysine, which is basic and polar, with isoleucine, which is neutral and non-polar, at codon 1332 of the COL1A2 protein (p.Lys1332Ile). This variant is present in population databases (no rsID available, gnomAD 0.01%). This variant has not been reported in the literature in individuals affected with COL1A2-related conditions. ClinVar contains an entry for this variant (Variation ID: 1312892). Advanced modeling of protein sequence and biophysical properties (such as structural, functional, and spatial information, amino acid conservation, physicochemical variation, residue mobility, and thermodynamic stability) performed at Invitae indicates that this missense variant is not expected to disrupt COL1A2 protein function. In summary, the available evidence is currently insufficient to determine the role of this variant in disease. Therefore, it has been classified as a Variant of Uncertain Significance.

GeneDx
Classification: Uncertain significance. Last evaluated: 2020-06-26. Review status: criteria provided, single submitter. Criteria: GeneDx Variant Classification Process June 2021. Collection method: clinical testing. Allele origin: germline. Affected: yes.
Comment: Has not been previously published as pathogenic or benign to our knowledge; Not observed at a significant frequency in large population cohorts (Lek et al., 2016); In silico analysis supports that this missense variant has a deleterious effect on protein structure/function; Not located in the triple helical region, where the majority of pathogenic missense variants occur (Stenson et al., 2014)